The following is an entry in ClinVar:

ClinVar aggregate classification (germline): Uncertain significance. Review status: criteria provided, multiple submitters, no conflicts (2 of 4 stars). 2 submissions from 2 submitters: Uncertain significance (2). Last evaluated 2024-12-24.

Conditions:
Progressive sclerosing poliodystrophy (MTDPS4A). Also called: ALPERS PROGRESSIVE INFANTILE POLIODYSTROPHY; Mitochondrial DNA depletion syndrome 4A (Alpers type); Alpers Syndrome; Alpers-Huttenlocher Syndrome (AHS); ALPERS DIFFUSE DEGENERATION OF CEREBRAL GRAY MATTER WITH HEPATIC CIRRHOSIS; Alpers-Huttenlocher Syndrome. Identifiers: Orphanet 726, MedGen C0205710, MONDO:0008758, OMIM 203700.

gnomAD v4.1: 9 of 1,613,876 alleles (0.00056%); highest among the groups gnomAD compares: East Asian, 0.02%; no homozygotes.

Submissions (2):

Labcorp Genetics (formerly Invitae), Labcorp
Classification: Uncertain significance for Progressive sclerosing poliodystrophy. Last evaluated: 2024-12-24. Review status: criteria provided, single submitter. Criteria: Invitae Variant Classification Sherloc (09022015). Collection method: clinical testing. Allele origin: germline.
Comment: This sequence change replaces histidine, which is basic and polar, with glutamine, which is neutral and polar, at codon 945 of the POLG protein (p.His945Gln). This variant is present in population databases (rs781364914, gnomAD 0.01%). This missense change has been observed in individual(s) with early onset Parkinson disease (PMID: 32613234, 35861376). Invitae Evidence Modeling of protein sequence and biophysical properties (such as structural, functional, and spatial information, amino acid conservation, physicochemical variation, residue mobility, and thermodynamic stability) has been performed for this missense variant. However, the output from this modeling did not meet the statistical confidence thresholds required to predict the impact of this variant on POLG protein function. In summary, the available evidence is currently insufficient to determine the role of this variant in disease. Therefore, it has been classified as a Variant of Uncertain Significance.

Blueprint Genetics
Classification: Uncertain significance. Last evaluated: 2022-09-07. Review status: criteria provided, single submitter. Criteria: ACMG Guidelines, 2015. Collection method: clinical testing. Allele origin: germline.

Literature cited by the submitters: PubMed 32613234 (cited by Labcorp Genetics (formerly Invitae), Labcorp); PubMed 35861376 (cited by Labcorp Genetics (formerly Invitae), Labcorp).

NM_002693.3(POLG):c.2835T>G (p.His945Gln)

Gene: POLG (DNA polymerase gamma, catalytic subunit; minus strand). Cytogenetic location: 15q26.1.
Variant type: single nucleotide variant.
Coding change: c.2835T>G on transcript NM_002693.3 (MANE Select); coding-DNA position 2835, T replaced by G.
Protein change: p.His945Gln; replaces histidine 945 with glutamine.
Molecular consequence: missense variant.
Genome position (GRCh38, 1-based): chr15:89,320,912, A>C on the plus strand (T>G on the coding strand, the complement: POLG is on the minus strand). VCF-style: chr15-89320912-A-C. GRCh37 (hg19) VCF-style: chr15-89864143-A-C.
Other names: c.2835T>G, p.His945Gln (NM_001126131.2); short protein forms H945Q.
Identifiers: ClinVar variation 3702797 (VCV003702797.3).
Genomic context (GRCh38, chr15:89,320,912, plus strand): 5'-TAAGCGCTCAGCAAAGGGCTGCCCAGCACCATAGATGCGGCCGTAGTTGAAGATTTTGGC[A>C]TGCTCACGGCTGATGCCCACAGTAGTGGCTGTCTTACTGTGTAGATCAGTGCCCCTGCTC-3'
Protein context (NP_002684.1, residues 935-955): TATTVGISRE[His945Gln]AKIFNYGRIY